The following is an entry in ClinVar:

ClinVar aggregate classification (germline): Uncertain significance (1 of 4 stars; one submission).

Conditions:
Epilepsy, X-linked 1, with variable learning disabilities and behavior disorders. Also called: X-linked epilepsy-learning disabilities-behavior disorders syndrome. Identifiers: Orphanet 85294, MedGen C5774177, MONDO:0010339, OMIM 300491.

Allele frequency attached by ClinVar (database versions not stated): TOPMed 0.00001; gnomAD exomes 0.00002.
gnomAD v4.1: 30 of 1,199,510 alleles (0.0025%); highest among the groups gnomAD compares: Non-Finnish European, 0.0029%; no homozygotes.

Submission:

Labcorp Genetics (formerly Invitae), Labcorp
Classification: Uncertain significance for Epilepsy, X-linked 1, with variable learning disabilities and behavior disorders. Last evaluated: 2024-01-27. Review status: criteria provided, single submitter. Criteria: Invitae Variant Classification Sherloc (09022015). Collection method: clinical testing. Allele origin: germline.
Comment: This sequence change falls in intron 1 of the SYN1 gene. It does not directly change the encoded amino acid sequence of the SYN1 protein. It affects a nucleotide within the consensus splice site. This variant is not present in population databases (gnomAD no frequency). This variant has not been reported in the literature in individuals affected with SYN1-related conditions. ClinVar contains an entry for this variant (Variation ID: 961955). Variants that disrupt the consensus splice site are a relatively common cause of aberrant splicing (PMID: 17576681, 9536098). Algorithms developed to predict the effect of sequence changes on RNA splicing suggest that this variant is not likely to affect RNA splicing. In summary, the available evidence is currently insufficient to determine the role of this variant in disease. Therefore, it has been classified as a Variant of Uncertain Significance.

Literature cited by the submitters: PubMed 17576681; PubMed 9536098.

NM_006950.3(SYN1):c.377+6C>G

Gene: SYN1 (synapsin I; minus strand). Cytogenetic location: Xp11.23.
Variant type: single nucleotide variant.
Coding change: c.377+6C>G on transcript NM_006950.3 (MANE Select); 6 bases into the intron after coding-DNA position 377, C replaced by G.
Molecular consequence: intron variant.
Genome position (GRCh38, 1-based): chrX:47,619,346, G>C on the plus strand (C>G on the coding strand, the complement: SYN1 is on the minus strand). VCF-style: chrX-47619346-G-C. GRCh37 (hg19) VCF-style: chrX-47478745-G-C.
Other names: c.377+6C>G (NM_133499.2).
Identifiers: ClinVar variation 961955 (VCV000961955.10), dbSNP rs1165500127, ClinGen allele CA875844237.